The following is an entry in ClinVar:

ClinVar aggregate classification (germline): Uncertain significance. Review status: criteria provided, multiple submitters, no conflicts (2 of 4 stars). 2 submissions from 2 submitters: Uncertain significance (2). Last evaluated 2025-05-17.

gnomAD v4.1: 3 of 1,614,108 alleles (0.00019%); highest among the groups gnomAD compares: Non-Finnish European, 0.00025%; no homozygotes.

Submissions (2):

Labcorp Genetics (formerly Invitae), Labcorp
Classification: Uncertain significance. Last evaluated: 2025-05-17. Review status: criteria provided, single submitter. Criteria: Invitae Variant Classification Sherloc (09022015). Collection method: clinical testing. Allele origin: germline.
Comment: This sequence change replaces asparagine, which is neutral and polar, with lysine, which is basic and polar, at codon 18 of the MYH9 protein (p.Asn18Lys). This variant is present in population databases (rs748468366, gnomAD 0.004%). This variant has not been reported in the literature in individuals affected with MYH9-related conditions. ClinVar contains an entry for this variant (Variation ID: 1699584). Invitae Evidence Modeling of protein sequence and biophysical properties (such as structural, functional, and spatial information, amino acid conservation, physicochemical variation, residue mobility, and thermodynamic stability) indicates that this missense variant is not expected to disrupt MYH9 protein function with a negative predictive value of 95%. In summary, the available evidence is currently insufficient to determine the role of this variant in disease. Therefore, it has been classified as a Variant of Uncertain Significance.

GeneDx
Classification: Uncertain significance. Last evaluated: 2022-01-31. Review status: criteria provided, single submitter. Criteria: GeneDx Variant Classification Process June 2021. Collection method: clinical testing. Allele origin: germline. Affected: yes.
Comment: In silico analysis supports that this missense variant has a deleterious effect on protein structure/function; Has not been previously published as pathogenic or benign to our knowledge

NM_002473.6(MYH9):c.54C>G (p.Asn18Lys)

Gene: MYH9 (myosin heavy chain 9; minus strand). Cytogenetic location: 22q12.3.
Variant type: single nucleotide variant.
Coding change: c.54C>G on transcript NM_002473.6 (MANE Select); coding-DNA position 54, C replaced by G.
Protein change: p.Asn18Lys; replaces asparagine 18 with lysine.
Molecular consequence: missense variant.
Genome position (GRCh38, 1-based): chr22:36,349,183, G>C on the plus strand (C>G on the coding strand, the complement: MYH9 is on the minus strand). VCF-style: chr22-36349183-G-C. GRCh37 (hg19) VCF-style: chr22-36745228-G-C.
Other names: short protein forms N18K.
Identifiers: ClinVar variation 1699584 (VCV001699584.3), dbSNP rs748468366, ClinGen allele CA10210732.
Genomic context (GRCh38, chr22:36,349,183, plus strand): 5'-CTTGTCGGAAGGCACCCATACCAGCTTCTTGGCAGCCCAGTCGGCCTGGGCCAGCGGATT[G>C]TTGATGAAGTTTTTATCCACATAGAGATACTTATCGGCAGCTTGCTGTGCCATGGTGACT-3'
Protein context (NP_002464.1, residues 8-28): KYLYVDKNFI[Asn18Lys]NPLAQADWAA